The following is an entry in ClinVar:

NM_005475.3(SH2B3):c.1366G>A (p.Val456Ile)

Gene: SH2B3 (SH2B adaptor protein 3; plus strand). Cytogenetic location: 12q24.12.
Variant type: single nucleotide variant.
Coding change: c.1366G>A on transcript NM_005475.3 (MANE Select); coding-DNA position 1366, G replaced by A.
Protein change: p.Val456Ile; replaces valine 456 with isoleucine.
Molecular consequence: missense variant.
Genome position (GRCh38, 1-based): chr12:111,447,785, G>A. VCF-style: chr12-111447785-G-A. GRCh37 (hg19) VCF-style: chr12-111885589-G-A.
Other names: c.760G>A, p.Val254Ile (NM_001291424.1); short protein forms V456I, V254I.
Identifiers: ClinVar variation 3795252 (VCV003795252.1).

ClinVar aggregate classification (germline): Uncertain significance (1 of 4 stars; one submission).

Conditions:
Inborn genetic diseases. Identifiers: MedGen C0950123, MeSH D030342.

gnomAD v4.1: 1 of 1,614,160 alleles (0.000062%); highest among the groups gnomAD compares: South Asian, 0.0011%; no homozygotes.

Submission:

Ambry Genetics
Classification: Uncertain significance for Inborn genetic diseases. Last evaluated: 2025-03-11. Review status: criteria provided, single submitter. Criteria: Ambry Variant Classification Scheme 2023. Collection method: clinical testing. Allele origin: germline.
Comment: The p.V456I variant (also known as c.1366G>A), located in coding exon 6 of the SH2B3 gene, results from a G to A substitution at nucleotide position 1366. The valine at codon 456 is replaced by isoleucine, an amino acid with highly similar properties. This amino acid position is conserved. In addition, this alteration is predicted to be tolerated by in silico analysis. Based on the available evidence, the clinical significance of this variant remains unclear.